The following is an entry in ClinVar:

NM_000100.4(CSTB):c.175G>A (p.Val59Ile)

Gene: CSTB (cystatin B; minus strand). Cytogenetic location: 21q22.3.
Variant type: single nucleotide variant.
Coding change: c.175G>A on transcript NM_000100.4 (MANE Select); coding-DNA position 175, G replaced by A.
Protein change: p.Val59Ile; replaces valine 59 with isoleucine.
Molecular consequence: missense variant.
Genome position (GRCh38, 1-based): chr21:43,774,324, C>T on the plus strand (G>A on the coding strand, the complement: CSTB is on the minus strand). VCF-style: chr21-43774324-C-T. GRCh37 (hg19) VCF-style: chr21-45194205-C-T.
Other names: short protein forms V59I.
Identifiers: ClinVar variation 581672 (VCV000581672.6), dbSNP rs531685360, ClinGen allele CA10048884.

ClinVar aggregate classification (germline): Uncertain significance (1 of 4 stars; one submission).

Conditions:
Progressive myoclonic epilepsy. Also called: Familial progressive myoclonic epilepsy; Myoclonic Epilepsies, Progressive; Myoclonus epilepsy; Progressive myoclonus epilepsy. Identifiers: Orphanet 308, Orphanet 98261, MedGen C0751778, MONDO:0020074.

Allele frequency attached by ClinVar (database versions not stated): TOPMed 0.00002; gnomAD 0.00004 and 0.00006; gnomAD exomes 0.00007; ExAC 0.00010; 1000 Genomes Project 30x 0.00016; 1000 Genomes Project 0.00020.
gnomAD v4.1: 51 of 1,614,176 alleles (0.0032%); highest among the groups gnomAD compares: South Asian, 0.029%; 1 homozygote.

Submission:

Labcorp Genetics (formerly Invitae), Labcorp
Classification: Uncertain significance for Progressive myoclonic epilepsy. Last evaluated: 2023-08-17. Review status: criteria provided, single submitter. Criteria: Invitae Variant Classification Sherloc (09022015). Collection method: clinical testing. Allele origin: germline.
Comment: In summary, the available evidence is currently insufficient to determine the role of this variant in disease. Therefore, it has been classified as a Variant of Uncertain Significance. An algorithm developed to predict the effect of missense changes on protein structure and function (PolyPhen-2) suggests that this variant is likely to be disruptive. ClinVar contains an entry for this variant (Variation ID: 581672). This variant has not been reported in the literature in individuals affected with CSTB-related conditions. This variant is present in population databases (rs531685360, gnomAD 0.04%), including at least one homozygous and/or hemizygous individual. This sequence change replaces valine, which is neutral and non-polar, with isoleucine, which is neutral and non-polar, at codon 59 of the CSTB protein (p.Val59Ile).